The following is an entry in ClinVar:

ClinVar aggregate classification (germline): Conflicting classifications of pathogenicity. Review status: criteria provided, conflicting classifications (1 of 4 stars). 11 submissions from 10 submitters: Uncertain significance (7); Likely benign (4). Last evaluated 2026-07-06.

Conditions:
Ehlers-Danlos syndrome, arthrochalasia type, 2. Also called: EHLERS-DANLOS SYNDROME, TYPE VIIB, AUTOSOMAL DOMINANT. Identifiers: MedGen CN293783, MONDO:0040501, OMIM 617821.
Ehlers-Danlos syndrome, classic type, 1 (EDSCL1). Also called: Ehlers-Danlos syndrome, type 1; EHLERS-DANLOS SYNDROME, GRAVIS TYPE; EHLERS-DANLOS SYNDROME, SEVERE CLASSIC TYPE; EDS I; Ehlers-Danlos Syndrome, Classic Type, COL5A1-Related. Identifiers: MedGen C0268335, MONDO:0019567, OMIM 130000.
Osteogenesis imperfecta type I (OI1). Also called: Classic Non-deforming Osteogenesis Imperfecta with Blue Sclerae; OI, TYPE I; OSTEOGENESIS IMPERFECTA TARDA; OSTEOGENESIS IMPERFECTA WITH BLUE SCLERAE; Lobstein's Disease; Lobstein disease. Identifiers: Orphanet 216796, Orphanet 666, MedGen C0023931, MONDO:0008146, OMIM 166200. Disease mechanism: loss of function.
Ehlers-Danlos syndrome, cardiac valvular type. Identifiers: Orphanet 230851, MedGen C4303789, MONDO:0009159, OMIM 225320.
Ehlers-Danlos syndrome, arthrochalasia type. Also called: Ehlers-Danlos syndrome, arthrochalasis type; ARTHROCHALASIS MULTIPLEX CONGENITA; EDS VII, MUTANT PROCOLLAGEN TYPE; EDS VIIA; Ehlers-Danlos syndrome, arthrochalasia type, 1. Identifiers: Orphanet 1899, Orphanet 99875, Orphanet 99876, MedGen C4551623, MONDO:0007525, OMIM 130060.
Osteogenesis imperfecta (OI). Identifiers: Orphanet 666, MedGen C0029434, MeSH D010013, MONDO:0019019.
COL1A2-related disorder. Also called: COL1A2-related condition; COL1A2-Related Disorders.
Osteogenesis imperfecta with normal sclerae, dominant form (OI4). Also called: Common Variable Osteogenesis Imperfecta with Normal Sclerae; OSTEOGENESIS IMPERFECTA WITH NORMAL SCLERAE; Osteogenesis imperfecta type 4; Osteogenesis Imperfecta Type IV; OSTEOGENESIS IMPERFECTA, TYPE IV, WITH DENTINOGENESIS IMPERFECTA. Identifiers: Orphanet 216820, Orphanet 666, MedGen C0268363, MONDO:0008148, OMIM 166220.
Postmenopausal osteoporosis. Also called: BONE MINERAL DENSITY QUANTITATIVE TRAIT LOCUS; OSTEOPOROSIS, INVOLUTIONAL. Identifiers: MedGen C0029458, MONDO:0008159.
Osteogenesis imperfecta, perinatal lethal (OI2). Also called: OI, TYPE II; OSTEOGENESIS IMPERFECTA CONGENITA; OSTEOGENESIS IMPERFECTA, TYPE II; Osteogenesis imperfecta type 2; VROLIK TYPE OF OSTEOGENESIS IMPERFECTA; Osteogenesis imperfecta, dominant perinatal lethal. Identifiers: Orphanet 216804, MedGen C0268358, MONDO:0008147, OMIM 166210.
Osteogenesis imperfecta type III (OI3). Also called: Progressively Deforming Osteogenesis Imperfecta; Osteogenesis imperfecta type 3; OI type 3; Osteogenesis imperfecta, progressively deforming with normal sclerae; OI type III. Identifiers: Orphanet 216812, Orphanet 666, MedGen C0268362, MONDO:0009804, OMIM 259420.
Cardiovascular phenotype. Identifiers: MedGen CN230736.
Ehlers-Danlos syndrome (EDS). Identifiers: Orphanet 98249, MedGen C0013720, MONDO:0020066.

Allele frequency attached by ClinVar (database versions not stated): gnomAD 0.00005 and 0.00006; TOPMed 0.00007; ESP Exome Variant Server 0.00008; ExAC 0.00009; gnomAD exomes 0.00011.
gnomAD v4.1: 152 of 1,607,348 alleles (0.0095%); highest among the groups gnomAD compares: Middle Eastern, 0.12%; 1 homozygote.

Submissions (11):

PreventionGenetics, part of Exact Sciences
Classification: Uncertain significance for COL1A2-related condition. Last evaluated: 2026-07-06. Review status: criteria provided, single submitter. Criteria: ACMG Guidelines, 2015. Collection method: clinical testing. Allele origin: germline.
Comment: The COL1A2 c.3047C>A variant is predicted to result in the amino acid substitution p.Pro1016His. This variant has been reported in individuals with suspected osteogenesis imperfecta or a history of fractures, including an affected parent and child (Supplemental Table 2, Lindahl et al. 2015. PubMed ID: 25944380; Supplementary Table 1, Harrington et al. 2021. PubMed ID: 34091789). It has also been reported in an individual with idiopathic scoliosis (Haller et al. 2016. PubMed ID: 26566670). This variant is reported in 0.11% of alleles in individuals of Ashkenazi Jewish descent in gnomAD v2, while in gnomAD v4 (available only on GRCh38), this variant is reported in 0.19% of alleles in the Ashkenazi Jewish subpopulation, with one homozygous individual across all populations. This variant is too common in the general population to be a cause of disease. Although we suspect that this variant may be benign, at this time, the clinical significance of this variant is uncertain due to the absence of conclusive functional and genetic evidence.

Labcorp Genetics (formerly Invitae), Labcorp
Classification: Likely benign for Osteogenesis imperfecta type I; Ehlers-Danlos syndrome, classic type, 1. Last evaluated: 2026-01-29. Review status: criteria provided, single submitter. Criteria: Invitae Variant Classification Sherloc (09022015). Collection method: clinical testing. Allele origin: germline.

Ambry Genetics
Classification: Uncertain significance for Cardiovascular phenotype. Last evaluated: 2025-02-26. Review status: criteria provided, single submitter. Criteria: Ambry Variant Classification Scheme 2023. Collection method: clinical testing. Allele origin: germline.
Comment: The p.P1016H variant (also known as c.3047C>A), located in coding exon 46 of the COL1A2 gene, results from a C to A substitution at nucleotide position 3047. The proline at codon 1016 is replaced by histidine, an amino acid with similar properties. This alteration has been reported in a subject with osteogenesis imperfecta (OI) (Lindahl K et al. Eur. J. Hum. Genet., 2015 Aug;23:1042-50; Harrington J et al. Arch Osteoporos, 2021 Jun;16:88). This amino acid position is not well conserved in available vertebrate species. In addition, the in silico prediction for this alteration is inconclusive. Since supporting evidence is limited at this time, the clinical significance of this alteration remains unclear.

Women's Health and Genetics/Laboratory Corporation of America, LabCorp
Classification: Likely benign. Last evaluated: 2025-01-27. Review status: criteria provided, single submitter. Criteria: LabCorp Variant Classification Summary - May 2015. Collection method: clinical testing. Allele origin: germline.
Comment: Variant summary: COL1A2 c.3047C>A (p.Pro1016His) results in a non-conservative amino acid change in the encoded protein sequence. Three of five in-silico tools predict a benign effect of the variant on protein function. The variant allele was found at a frequency of 9.5e-05 in 1607348 control chromosomes, predominantly at a frequency of 0.0019 within the Other subpopulation in the gnomAD database. The observed variant frequency within Other control individuals in the gnomAD database is approximately 1.7 fold of the estimated maximal expected allele frequency for a pathogenic variant in COL1A2 causing osteogenesis imperfecta (0.0011). c.3047C>A has been reported in the literature in individuals affected with osteogenesis imperfecta type IV (Lindhal_2015) and recurrent fractures (Harrington_2021). However, these report(s) do not provide unequivocal conclusions about association of the variant with osetogenesis imperfecta. To our knowledge, no experimental evidence demonstrating an impact on protein function has been reported. The following publications have been ascertained in the context of this evaluation (PMID: 34091789, 25944380). ClinVar contains an entry for this variant (Variation ID: 281098). Based on the evidence outlined above, the variant was classified as likely benign.

ARUP Laboratories, Molecular Genetics and Genomics, ARUP Laboratories
Classification: Likely benign. Last evaluated: 2023-03-03. Review status: criteria provided, single submitter. Criteria: ARUP Molecular Germline Variant Investigation Process 2024. Collection method: clinical testing. Allele origin: germline.

Genome Diagnostics Laboratory, The Hospital for Sick Children
Classification: Uncertain significance for Ehlers-Danlos syndrome. Last evaluated: 2022-05-16. Review status: criteria provided, single submitter. Criteria: ACMG Guidelines, 2015. Collection method: clinical testing. Allele origin: germline.

GeneDx
Classification: Uncertain significance. Last evaluated: 2022-03-15. Review status: criteria provided, single submitter. Criteria: GeneDx Variant Classification Process June 2021. Collection method: clinical testing. Allele origin: germline. Affected: yes.
Comment: In silico analysis supports that this missense variant does not alter protein structure/function; Occurs in the triple helical domain at the X position in the canonical Gly-X-Y repeat. Although this variant may have an effect on normal protein folding and function, missense substitution at the X position is not a common mechanism of disease (HGMD); This variant is associated with the following publications: (PMID: 25944380, 24077912, 27535533, 34091789, 26177859)

Fulgent Genetics
Classification: Uncertain significance for Osteogenesis imperfecta, perinatal lethal; Osteogenesis imperfecta with normal sclerae, dominant form; Osteoporosis; Ehlers-Danlos syndrome, cardiac valvular type; Osteogenesis imperfecta type III; Ehlers-Danlos syndrome, arthrochalasia type, 2. Last evaluated: 2018-10-31. Review status: criteria provided, single submitter. Criteria: ACMG Guidelines, 2015. Collection method: clinical testing. Allele origin: unknown.

Illumina Laboratory Services, Illumina
Classification: Likely benign for Ehlers-Danlos syndrome, arthrochalasia type, 2. Last evaluated: 2018-01-13. Review status: criteria provided, single submitter. Criteria: ICSL Variant Classification Criteria 13 December 2019. Collection method: clinical testing. Allele origin: germline.
Comment: This variant was observed in the ICSL laboratory as part of a predisposition screen in an ostensibly healthy population. It had not been previously curated by ICSL or reported in the Human Gene Mutation Database (HGMD: prior to June 1st, 2018), and was therefore a candidate for classification through an automated scoring system. Utilizing variant allele frequency, disease prevalence and penetrance estimates, and inheritance mode, an automated score was calculated to assess if this variant is too frequent to cause the disease. Based on the score and internal cut-off values, a variant classified as likely benign is not then subjected to further curation. The score for this variant resulted in a classification of likely benign for this disease.

Illumina Laboratory Services, Illumina
Classification: Uncertain significance for Osteogenesis imperfecta. Last evaluated: 2018-01-13. Review status: criteria provided, single submitter. Criteria: ICSL Variant Classification Criteria 13 December 2019. Collection method: clinical testing. Allele origin: germline.

Eurofins Ntd Llc (ga)
Classification: Uncertain significance. Last evaluated: 2015-06-10. Review status: criteria provided, single submitter. Criteria: EGL Classification Definitions 2015. Collection method: clinical testing. Allele origin: germline. Observed: 2 variant alleles, 2 heterozygotes.

Literature cited by the submitters: PubMed 21520333 (cited by Ambry Genetics); PubMed 25944380 (cited by Ambry Genetics and Women's Health and Genetics/Laboratory Corporation of America, LabCorp); PubMed 34091789 (cited by Ambry Genetics and Women's Health and Genetics/Laboratory Corporation of America, LabCorp).

NM_000089.4(COL1A2):c.3047C>A (p.Pro1016His)

Gene: COL1A2 (collagen type I alpha 2 chain; plus strand). Cytogenetic location: 7q21.3.
Variant type: single nucleotide variant.
Coding change: c.3047C>A on transcript NM_000089.4 (MANE Select); coding-DNA position 3047, C replaced by A.
Protein change: p.Pro1016His; replaces proline 1016 with histidine.
Molecular consequence: missense variant.
Genome position (GRCh38, 1-based): chr7:94,426,472, C>A. VCF-style: chr7-94426472-C-A. GRCh37 (hg19) VCF-style: chr7-94055784-C-A.
Other names: short protein forms P1016H.
Identifiers: ClinVar variation 281098 (VCV000281098.33), dbSNP rs377278762, ClinGen allele CA4347649.